The following is an entry in ClinVar:

ClinVar aggregate classification (germline): Pathogenic (1 of 4 stars; one submission).

Submission:

Labcorp Genetics (formerly Invitae), Labcorp
Classification: Pathogenic. Last evaluated: 2024-02-23. Review status: criteria provided, single submitter. Criteria: Invitae Variant Classification Sherloc (09022015). Collection method: clinical testing. Allele origin: germline.
Comment: This sequence change creates a premature translational stop signal (p.Gly511Glufs*66) in the COL4A3 gene. It is expected to result in an absent or disrupted protein product. Loss-of-function variants in COL4A3 are known to be pathogenic (PMID: 8956999, 24854265, 26809805, 27281700). This variant is present in population databases (rs752544047, gnomAD 0.007%). This variant has not been reported in the literature in individuals affected with COL4A3-related conditions. For these reasons, this variant has been classified as Pathogenic.

Literature cited by the submitters: PubMed 8956999; PubMed 24854265; PubMed 26809805; PubMed 27281700.

NM_000091.5(COL4A3):c.1532del (p.Gly511fs)

Genes: COL4A3 (collagen type IV alpha 3 chain; plus strand), MFF-DT (MFF divergent transcript; minus strand). Cytogenetic location: 2q36.3.
Variant type: Deletion.
Coding change: c.1532del on transcript NM_000091.5 (MANE Select); coding-DNA position 1532, one base deleted (G; older notation c.1532delG).
Protein change: p.Gly511fs; shifts the reading frame from glycine 511.
Molecular consequence: frameshift variant.
Genome position (GRCh38, 1-based): chr2:227,269,937, G deleted; the last of 2 consecutive G bases (chr2:227,269,936-227,269,937); deleting either gives the same sequence. VCF-style (leftmost placement, unchanged base first): chr2-227269935-AG-A. GRCh37 (hg19) VCF-style: chr2-228134651-AG-A.
Other names: short protein forms G511fs.
Identifiers: ClinVar variation 3730033 (VCV003730033.2).